The following is an entry in ClinVar:

ClinVar aggregate classification (germline): Conflicting classifications of pathogenicity. Review status: criteria provided, conflicting classifications (1 of 4 stars). 3 submissions from 3 submitters: Likely pathogenic (1); Uncertain significance (2). Last evaluated 2026-01-20.

Conditions:
Telangiectasia, hereditary hemorrhagic, type 2 (HHT2). Also called: Telangiectasia, hereditary hemorrhagic, type II; ACVRL1-Related Hereditary Hemorrhagic Telangiectasia. Identifiers: Orphanet 774, MedGen C1838163, MONDO:0010880, OMIM 600376. Disease mechanism: loss of function.
Cardiovascular phenotype. Identifiers: MedGen CN230736.

Submissions (3):

Labcorp Genetics (formerly Invitae), Labcorp
Classification: Uncertain significance for Telangiectasia, hereditary hemorrhagic, type 2. Last evaluated: 2026-01-20. Review status: criteria provided, single submitter. Criteria: Invitae Variant Classification Sherloc (09022015). Collection method: clinical testing. Allele origin: germline.
Comment: This sequence change replaces alanine, which is neutral and non-polar, with glutamic acid, which is acidic and polar, at codon 307 of the ACVRL1 protein (p.Ala307Glu). This variant is not present in population databases (gnomAD no frequency). This missense change has been observed in individual(s) with clinical features of hereditary hemorrhagic telangiectasia (internal data). ClinVar contains an entry for this variant (Variation ID: 212800). Invitae Evidence Modeling of protein sequence and biophysical properties (such as structural, functional, and spatial information, amino acid conservation, physicochemical variation, residue mobility, and thermodynamic stability) indicates that this missense variant is expected to disrupt ACVRL1 protein function with a positive predictive value of 95%. In summary, the available evidence is currently insufficient to determine the role of this variant in disease. Therefore, it has been classified as a Variant of Uncertain Significance.

Ambry Genetics
Classification: Likely pathogenic for Cardiovascular phenotype. Last evaluated: 2020-09-03. Review status: criteria provided, single submitter. Criteria: Ambry Variant Classification Scheme 2023. Collection method: clinical testing. Allele origin: germline.
Comment: The p.A307E variant (also known as c.920C>A), located in coding exon 6 of the ACVRL1 gene, results from a C to A substitution at nucleotide position 920. The alanine at codon 307 is replaced by glutamic acid, an amino acid with dissimilar properties. This alteration has been detected in two apparently unrelated individuals with hereditary hemorrhagic telangiectasia at our laboratory. This variant was not reported in population-based cohorts in the Genome Aggregation Database (gnomAD). This amino acid position is well conserved in available vertebrate species. In addition, this alteration is predicted to be deleterious by in silico analysis. Based on the majority of available evidence to date, this variant is likely to be pathogenic.

GeneDx
Classification: Uncertain significance. Last evaluated: 2018-10-18. Review status: criteria provided, single submitter. Criteria: GeneDx Variant Classification (06012015). Collection method: clinical testing. Allele origin: germline. Affected: yes.
Comment: A variant of uncertain significance has been identified in the ACVRL1 gene. The A307E variant has not been published as pathogenic or been reported as benign to our knowledge. The A307E variant is not observed in large population cohorts (Lek et al., 2016). The A307E variant is a non-conservative amino acid substitution, which is likely to impact secondary protein structure as these residues differ in polarity, charge, size and/or other properties. Furthermore, in-silico analyses, including protein predictors and evolutionary conservation, support a deleterious effect. Nevertheless, this variant lacks observation in a significant number of affected individuals, segregation data, and functional evidence, which would further clarify its pathogenicity.Therefore, based on the currently available information, it is unclear whether this variant is pathogenic or rare benign. This result cannot be interpreted for diagnosis or used for family member screening at this time.

NM_000020.3(ACVRL1):c.920C>A (p.Ala307Glu)

Gene: ACVRL1 (activin A receptor like type 1; plus strand). Cytogenetic location: 12q13.13.
Variant type: single nucleotide variant.
Coding change: c.920C>A on transcript NM_000020.3 (MANE Select); coding-DNA position 920, C replaced by A.
Protein change: p.Ala307Glu; replaces alanine 307 with glutamic acid.
Molecular consequence: missense variant.
Genome position (GRCh38, 1-based): chr12:51,915,372, C>A. VCF-style: chr12-51915372-C-A. GRCh37 (hg19) VCF-style: chr12-52309156-C-A.
Other names: p.A307E:GCA>GAA; c.920C>A, p.Ala307Glu (NM_001077401.2); short protein forms A307E.
Identifiers: ClinVar variation 212800 (VCV000212800.13), dbSNP rs863223411, ClinGen allele CA325209.